The following is an entry in ClinVar:

ClinVar aggregate classification (germline): Uncertain significance (1 of 4 stars; one submission).

Conditions:
Hereditary spastic paraplegia 50 (SPG50). Also called: Spastic paraplegia 50, autosomal recessive. Identifiers: Orphanet 280763, MedGen C2752008, MONDO:0013048, OMIM 612936.

Submission:

Labcorp Genetics (formerly Invitae), Labcorp
Classification: Uncertain significance for Hereditary spastic paraplegia 50. Last evaluated: 2024-07-31. Review status: criteria provided, single submitter. Criteria: Invitae Variant Classification Sherloc (09022015). Collection method: clinical testing. Allele origin: germline.
Comment: This sequence change replaces threonine, which is neutral and polar, with isoleucine, which is neutral and non-polar, at codon 159 of the AP4M1 protein (p.Thr159Ile). This variant is present in population databases (no rsID available, gnomAD 0.01%). This variant has not been reported in the literature in individuals affected with AP4M1-related conditions. An algorithm developed to predict the effect of missense changes on protein structure and function (PolyPhen-2) suggests that this variant is likely to be disruptive. In summary, the available evidence is currently insufficient to determine the role of this variant in disease. Therefore, it has been classified as a Variant of Uncertain Significance.

NM_004722.4(AP4M1):c.476C>T (p.Thr159Ile)

Gene: AP4M1 (adaptor related protein complex 4 subunit mu 1; plus strand). Cytogenetic location: 7q22.1.
Variant type: single nucleotide variant.
Coding change: c.476C>T on transcript NM_004722.4 (MANE Select); coding-DNA position 476, C replaced by T.
Protein change: p.Thr159Ile; replaces threonine 159 with isoleucine.
Molecular consequence: missense variant.
Genome position (GRCh38, 1-based): chr7:100,103,625, C>T. VCF-style: chr7-100103625-C-T. GRCh37 (hg19) VCF-style: chr7-99701248-C-T.
Other names: c.497C>T, p.Thr166Ile (NM_001363671.2); short protein forms T166I, T159I.
Identifiers: ClinVar variation 3681076 (VCV003681076.2).